The following is an entry in ClinVar:

NM_000038.6(APC):c.8448A>G (p.Arg2816=)

Gene: APC (APC regulator of Wnt signaling pathway; plus strand). Cytogenetic location: 5q22.2.
Variant type: single nucleotide variant.
Coding change: c.8448A>G on transcript NM_000038.6 (MANE Select); coding-DNA position 8448, A replaced by G.
Protein change: p.Arg2816=; no amino-acid change (arginine 2816 retained).
Molecular consequence: synonymous variant.
Genome position (GRCh38, 1-based): chr5:112,844,042, A>G. VCF-style: chr5-112844042-A-G. GRCh37 (hg19) VCF-style: chr5-112179739-A-G.
Other names: c.8448A>G, p.Arg2816= (NM_001127510.3, NM_001354895.2); c.8394A>G, p.Arg2798= (NM_001127511.3); c.8502A>G, p.Arg2834= (NM_001354896.2); c.8478A>G, p.Arg2826= (NM_001354897.2); c.8373A>G, p.Arg2791= (NM_001354898.2); c.8364A>G, p.Arg2788= (NM_001354899.2); c.8325A>G, p.Arg2775= (NM_001354900.2); c.8271A>G, p.Arg2757= (NM_001354901.2); and 5 more.
Identifiers: ClinVar variation 1108417 (VCV001108417.49), dbSNP rs1580693799, ClinGen allele CA446211398.

ClinVar aggregate classification (germline): Benign/Likely benign. Review status: criteria provided, multiple submitters, no conflicts (2 of 4 stars). 2 submissions from 2 submitters: Benign (1); Likely benign (1). Last evaluated 2025-12-17.

Conditions:
Familial adenomatous polyposis 1 (FAP1). Also called: FAMILIAL ADENOMATOUS POLYPOSIS 1, ATTENUATED; POLYPOSIS, ADENOMATOUS INTESTINAL. Identifiers: MedGen C2713442, MONDO:0021056, OMIM 175100. Disease mechanism: loss of function.

Submissions (2):

Labcorp Genetics (formerly Invitae), Labcorp
Classification: Likely benign for Familial adenomatous polyposis 1. Last evaluated: 2025-12-17. Review status: criteria provided, single submitter. Criteria: Invitae Variant Classification Sherloc (09022015). Collection method: clinical testing. Allele origin: germline.

Myriad Genetics, Inc.
Classification: Benign for Familial adenomatous polyposis 1. Last evaluated: 2024-04-16. Review status: criteria provided, single submitter. Criteria: Myriad Autosomal Dominant, Autosomal Recessive and X-Linked Classification Criteria (2023). Collection method: clinical testing. Allele origin: unknown.
Comment: This variant is considered benign. This variant is a silent/synonymous amino acid change and it is not expected to impact splicing.